The following is an entry in ClinVar:

ClinVar aggregate classification (germline): Conflicting classifications of pathogenicity. Review status: criteria provided, conflicting classifications (1 of 4 stars). 2 submissions from 2 submitters: Uncertain significance (1); Likely benign (1). Last evaluated 2025-12-19.

Conditions:
CUL4B-related disorder. Also called: CUL4B-related condition.
Inborn genetic diseases. Identifiers: MedGen C0950123, MeSH D030342.

Allele frequency attached by ClinVar (database versions not stated): gnomAD 0.00002; TOPMed 0.00002; gnomAD exomes 0.00004; ExAC 0.00005.
gnomAD v4.1: 53 of 1,206,457 alleles (0.0044%); highest among the groups gnomAD compares: Non-Finnish European, 0.0051%; no homozygotes.

Submissions (2):

PreventionGenetics, part of Exact Sciences
Classification: Uncertain significance for CUL4B-related condition. Last evaluated: 2025-12-19. Review status: criteria provided, single submitter. Criteria: ACMG Guidelines, 2015. Collection method: clinical testing. Allele origin: germline.
Comment: The CUL4B c.140G>C variant is predicted to result in the amino acid substitution p.Ser47Thr. To our knowledge, this variant has not been reported in the literature. This variant is reported in 0.010% of alleles in individuals of European (Non-Finnish) descent in gnomAD. Although we suspect that this variant may be benign, at this time, the clinical significance of this variant is uncertain due to the absence of conclusive functional and genetic evidence.

Ambry Genetics
Classification: Likely benign for Inborn genetic diseases. Last evaluated: 2023-12-31. Review status: criteria provided, single submitter. Criteria: Ambry Variant Classification Scheme 2023. Collection method: clinical testing. Allele origin: germline.

NM_001079872.2(CUL4B):c.86G>C (p.Ser29Thr)

Genes: CUL4B (cullin 4B; minus strand), LOC113845788 (Sharpr-MPRA regulatory region 11856; plus strand). Cytogenetic location: Xq24.
Variant type: single nucleotide variant.
Coding change: c.86G>C on transcript NM_001079872.2 (MANE Select); coding-DNA position 86, G replaced by C.
Protein change: p.Ser29Thr; replaces serine 29 with threonine.
Molecular consequence: missense variant.
Genome position (GRCh38, 1-based): chrX:120,560,553, C>G on the plus strand (G>C on the coding strand, the complement: CUL4B is on the minus strand). VCF-style: chrX-120560553-C-G. GRCh37 (hg19) VCF-style: chrX-119694408-C-G.
Other names: c.101G>C, p.Ser34Thr (NM_001330624.2); c.140G>C, p.Ser47Thr (NM_003588.4); short protein forms S34T, S29T, S47T.
Identifiers: ClinVar variation 3078958 (VCV003078958.2), dbSNP rs758781480, ClinGen allele CA10505740.